The following is an entry in ClinVar:

ClinVar aggregate classification (germline): Likely benign. Review status: criteria provided, multiple submitters, no conflicts (2 of 4 stars). 3 submissions from 3 submitters: Likely benign (3). Last evaluated 2025-12-15.

Allele frequency attached by ClinVar (database versions not stated): 1000 Genomes Project 0.00060; 1000 Genomes Project 30x 0.00078.
gnomAD v4.1: 277 of 1,614,118 alleles (0.017%); highest among the groups gnomAD compares: South Asian, 0.24%; 4 homozygotes.

Submissions (3):

Labcorp Genetics (formerly Invitae), Labcorp
Classification: Likely benign. Last evaluated: 2025-12-15. Review status: criteria provided, single submitter. Criteria: Invitae Variant Classification Sherloc (09022015). Collection method: clinical testing. Allele origin: germline.

Blueprint Genetics
Classification: Likely benign. Last evaluated: 2024-10-02. Review status: criteria provided, single submitter. Criteria: ACMG Guidelines, 2015. Collection method: clinical testing. Allele origin: germline.

CeGaT Center for Human Genetics Tuebingen
Classification: Likely benign. Last evaluated: 2023-02-01. Review status: criteria provided, single submitter. Criteria: CeGaT Center For Human Genetics Tuebingen Variant Classification Criteria Version 2. Collection method: clinical testing. Allele origin: germline. Affected: yes. Observed: 1 variant allele.
Comment: KAT6A: BP4, BS1

NM_006766.5(KAT6A):c.3202G>A (p.Asp1068Asn)

Gene: KAT6A (lysine acetyltransferase 6A; minus strand). Cytogenetic location: 8p11.21.
Variant type: single nucleotide variant.
Coding change: c.3202G>A on transcript NM_006766.5 (MANE Select); coding-DNA position 3202, G replaced by A.
Protein change: p.Asp1068Asn; replaces aspartic acid 1068 with asparagine.
Molecular consequence: missense variant.
Genome position (GRCh38, 1-based): chr8:41,937,406, C>T on the plus strand (G>A on the coding strand, the complement: KAT6A is on the minus strand). VCF-style: chr8-41937406-C-T. GRCh37 (hg19) VCF-style: chr8-41794924-C-T.
Other names: short protein forms D1068N.
Identifiers: ClinVar variation 1666459 (VCV001666459.33), dbSNP rs187168141, ClinGen allele CA4729743.